The following is an entry in ClinVar:

NM_018685.5(ANLN):c.2554T>G (p.Ser852Ala)

Gene: ANLN (anillin, actin binding protein; plus strand). Cytogenetic location: 7p14.2.
Variant type: single nucleotide variant.
Coding change: c.2554T>G on transcript NM_018685.5 (MANE Select); coding-DNA position 2554, T replaced by G.
Protein change: p.Ser852Ala; replaces serine 852 with alanine.
Molecular consequence: missense variant.
Genome position (GRCh38, 1-based): chr7:36,423,894, T>G. VCF-style: chr7-36423894-T-G. GRCh37 (hg19) VCF-style: chr7-36463503-T-G.
Other names: c.2443T>G, p.Ser815Ala (NM_001284301.3); c.2440T>G, p.Ser814Ala (NM_001284302.3); short protein forms S815A, S814A, S852A.
Identifiers: ClinVar variation 2078788 (VCV002078788.4), dbSNP rs374070588, ClinGen allele CA4219889.
Genomic context (GRCh38, chr7:36,423,894, plus strand): 5'-TACTTAATTATACTAAAAGCAGGAGCTGAAAATATGGTAGCCACACCATTAGCAAGTACT[T>G]CAAACTCTCTTAACGGTGATGCTCTGACATTCACTACTACATTTACTCTGTAAGTAAATC-3'
Protein context (NP_061155.2, residues 842-862): NMVATPLAST[Ser852Ala]NSLNGDALTF

ClinVar aggregate classification (germline): Uncertain significance (1 of 4 stars; one submission).

Allele frequency attached by ClinVar (database versions not stated): gnomAD 0.00003; ExAC 0.00002; TOPMed 0.00003; gnomAD exomes 0.00007; ESP Exome Variant Server 0.00008.

Submission:

Labcorp Genetics (formerly Invitae), Labcorp
Classification: Uncertain significance. Last evaluated: 2023-12-21. Review status: criteria provided, single submitter. Criteria: Invitae Variant Classification Sherloc (09022015). Collection method: clinical testing. Allele origin: germline.
Comment: This sequence change replaces serine, which is neutral and polar, with alanine, which is neutral and non-polar, at codon 852 of the ANLN protein (p.Ser852Ala). This variant is present in population databases (rs374070588, gnomAD 0.004%). This variant has not been reported in the literature in individuals affected with ANLN-related conditions. ClinVar contains an entry for this variant (Variation ID: 2078788). Advanced modeling of protein sequence and biophysical properties (such as structural, functional, and spatial information, amino acid conservation, physicochemical variation, residue mobility, and thermodynamic stability) performed at Invitae indicates that this missense variant is not expected to disrupt ANLN protein function with a negative predictive value of 80%. In summary, the available evidence is currently insufficient to determine the role of this variant in disease. Therefore, it has been classified as a Variant of Uncertain Significance.